The following is an entry in ClinVar:

NM_206933.4(USH2A):c.13257_13263del (p.Phe4419fs)

Gene: USH2A (usherin; minus strand). Cytogenetic location: 1q41.
Variant type: Deletion.
Coding change: c.13257_13263del on transcript NM_206933.4 (MANE Select); coding-DNA positions 13257 to 13263, 7 bases deleted (CTCCCTT; older notation c.13257_13263delCTCCCTT).
Protein change: p.Phe4419fs; shifts the reading frame from phenylalanine 4419.
Molecular consequence: frameshift variant.
Genome position (GRCh38, 1-based): chr1:215,674,648-215,674,654, AAGGGAG deleted on the plus strand (CTCCCTT on the coding strand, the reverse complement: USH2A is on the minus strand); deleting any 7 consecutive bases within chr1:215,674,648-215,674,657 gives the same sequence; the c. name uses the placement nearest the transcript's 3' end. VCF-style (leftmost placement, unchanged base first): chr1-215674647-CAAGGGAG-C. GRCh37 (hg19) VCF-style: chr1-215847989-CAAGGGAG-C.
Other names: c.13257_13263del (NM_206933.2); short protein forms F4419fs.
Identifiers: ClinVar variation 371787 (VCV000371787.8), dbSNP rs1057517533, ClinGen allele CA16040716.

ClinVar aggregate classification (germline): Pathogenic/Likely pathogenic. Review status: criteria provided, multiple submitters, no conflicts (2 of 4 stars). 8 submissions from 6 submitters: Pathogenic (3); Likely pathogenic (3). 2 of the submissions do not count toward it. Last evaluated 2023-11-04.

Conditions:
USH2A-related disorder. Also called: USH2A-related disorders; USH2A-related condition. Identifiers: MedGen CN239332.
Retinal dystrophy. Also called: Inherited retinal dystrophy. Identifiers: Orphanet 71862, MedGen C0854723, MeSH D058499, MONDO:0019118, HP:0000556.
Usher syndrome type 2A. Also called: RETINAL DISEASE IN USHER SYNDROME TYPE IIA, MODIFIER OF; USHER SYNDROME, TYPE IIA. Identifiers: Orphanet 231178, Orphanet 886, MedGen C1848634, MONDO:0010169, OMIM 276901.
Retinitis pigmentosa 39 (RP39). Identifiers: Orphanet 791, MedGen C3151138, MONDO:0013436, OMIM 613809.

Submissions (8):

Genome-Nilou Lab
Classification: Likely pathogenic for Retinitis pigmentosa 39. Last evaluated: 2023-11-04. Review status: criteria provided, single submitter. Criteria: ACMG Guidelines, 2015. Collection method: clinical testing. Allele origin: germline. Affected: no.

Genome-Nilou Lab
Classification: Likely pathogenic for Usher syndrome type 2A. Last evaluated: 2023-11-04. Review status: criteria provided, single submitter. Criteria: ACMG Guidelines, 2015. Collection method: clinical testing. Allele origin: germline. Affected: no.

Baylor Genetics
Classification: Pathogenic for Retinitis pigmentosa 39. Last evaluated: 2023-06-29. Review status: criteria provided, single submitter. Criteria: ACMG Guidelines, 2015. Collection method: clinical testing. Allele origin: unknown.

Ocular Genomics Institute, Massachusetts Eye and Ear
Classification: Likely pathogenic for Retinitis pigmentosa 39. Last evaluated: 2021-04-08. Review status: criteria provided, single submitter. Criteria: ACMG Guidelines, 2015. Collection method: research. Allele origin: germline. Affected: yes.
Comment: Through a review of available evidence we were able to apply the following criteria: PVS1, PM2. Based on this evidence we have classified this variant as Likely Pathogenic.

Blueprint Genetics
Classification: Pathogenic for USH2A-related disorders. Last evaluated: 2020-02-19. Review status: criteria provided, single submitter. Criteria: ACMG Guidelines, 2015. Collection method: clinical testing. Allele origin: germline. Affected: yes. Observed: 1 variant allele.

Institute of Human Genetics, Univ. Regensburg, Univ. Regensburg
Classification: Pathogenic for Retinal dystrophy. Last evaluated: 2017-01-01. Review status: criteria provided, single submitter. Criteria: ACMG Guidelines, 2015. Collection method: clinical testing. Allele origin: germline. Affected: yes.

Counsyl
Classification: Likely pathogenic for Usher syndrome type 2A. Last evaluated: 2016-11-07. Review status: no assertion criteria provided. Collection method: clinical testing. Allele origin: unknown. Not counted in ClinVar's aggregate classification.

Counsyl
Classification: Likely pathogenic for Retinitis pigmentosa 39. Last evaluated: 2016-11-07. Review status: no assertion criteria provided. Collection method: clinical testing. Allele origin: unknown. Not counted in ClinVar's aggregate classification.

Literature cited by the submitters: PubMed 24265693 (cited by Institute of Human Genetics, Univ. Regensburg, Univ. Regensburg and Counsyl); PubMed 3253185 (cited by Institute of Human Genetics, Univ. Regensburg, Univ. Regensburg); PubMed 23591405 (cited by Counsyl).